The following is an entry in ClinVar:

ClinVar aggregate classification (germline): Uncertain significance. Review status: criteria provided, multiple submitters, no conflicts (2 of 4 stars). 2 submissions from 2 submitters: Uncertain significance (2). Last evaluated 2025-10-28.

Conditions:
Cardiovascular phenotype. Identifiers: MedGen CN230736.
Long QT syndrome (LQTS). Identifiers: MedGen C0023976, MeSH D008133, MONDO:0002442. Disease mechanism: loss of function. Inheritance: Various modes of inheritance.

Allele frequency attached by ClinVar (database versions not stated): gnomAD exomes below 0.00001; gnomAD 0.00001; TOPMed 0.00001; ESP Exome Variant Server 0.00008.
gnomAD v4.1: 8 of 1,591,646 alleles (0.0005%); highest among the groups gnomAD compares: African/African-American, 0.0027%; no homozygotes.

Submissions (2):

Labcorp Genetics (formerly Invitae), Labcorp
Classification: Uncertain significance for Long QT syndrome. Last evaluated: 2025-10-28. Review status: criteria provided, single submitter. Criteria: Invitae Variant Classification Sherloc (09022015). Collection method: clinical testing. Allele origin: germline.
Comment: This sequence change replaces valine, which is neutral and non-polar, with isoleucine, which is neutral and non-polar, at codon 1263 of the AKAP9 protein (p.Val1263Ile). This variant is not present in population databases (gnomAD no frequency). This variant has not been reported in the literature in individuals affected with AKAP9-related conditions. ClinVar contains an entry for this variant (Variation ID: 1734895). An algorithm developed to predict the effect of missense changes on protein structure and function outputs the following: PolyPhen-2: "Benign". The isoleucine amino acid residue is found in multiple mammalian species, which suggests that this missense change does not adversely affect protein function. In summary, the available evidence is currently insufficient to determine the role of this variant in disease. Therefore, it has been classified as a Variant of Uncertain Significance.

Ambry Genetics
Classification: Uncertain significance for Cardiovascular phenotype. Last evaluated: 2025-04-03. Review status: criteria provided, single submitter. Criteria: Ambry Variant Classification Scheme 2023. Collection method: clinical testing. Allele origin: germline.

NM_005751.5(AKAP9):c.3787G>A (p.Val1263Ile)

Gene: AKAP9 (A-kinase anchoring protein 9; plus strand). Cytogenetic location: 7q21.2.
Variant type: single nucleotide variant.
Coding change: c.3787G>A on transcript NM_005751.5 (MANE Select); coding-DNA position 3787, G replaced by A.
Protein change: p.Val1263Ile; replaces valine 1263 with isoleucine.
Molecular consequence: missense variant.
Genome position (GRCh38, 1-based): chr7:92,017,052, G>A. VCF-style: chr7-92017052-G-A. GRCh37 (hg19) VCF-style: chr7-91646366-G-A.
Other names: c.3787G>A, p.Val1263Ile (NM_147185.3); short protein forms V1263I.
Identifiers: ClinVar variation 1734895 (VCV001734895.4), dbSNP rs369882717, ClinGen allele CA161885742.